The following is an entry in ClinVar:

NM_152424.4(AMER1):c.3136G>A (p.Ala1046Thr)

Gene: AMER1 (APC membrane recruitment protein 1; minus strand). Cytogenetic location: Xq11.2.
Variant type: single nucleotide variant.
Coding change: c.3136G>A on transcript NM_152424.4 (MANE Select); coding-DNA position 3136, G replaced by A.
Protein change: p.Ala1046Thr; replaces alanine 1046 with threonine.
Molecular consequence: missense variant.
Genome position (GRCh38, 1-based): chrX:64,190,151, C>T on the plus strand (G>A on the coding strand, the complement: AMER1 is on the minus strand). VCF-style: chrX-64190151-C-T. GRCh37 (hg19) VCF-style: chrX-63410031-C-T.
Other names: short protein forms A1046T.
Identifiers: ClinVar variation 2745485 (VCV002745485.3), dbSNP rs2147084459, ClinGen allele CA413301442.

ClinVar aggregate classification (germline): Uncertain significance (1 of 4 stars; one submission).

Submission:

Labcorp Genetics (formerly Invitae), Labcorp
Classification: Uncertain significance. Last evaluated: 2023-07-20. Review status: criteria provided, single submitter. Criteria: Invitae Variant Classification Sherloc (09022015). Collection method: clinical testing. Allele origin: germline.
Comment: This sequence change replaces alanine, which is neutral and non-polar, with threonine, which is neutral and polar, at codon 1046 of the AMER1 protein (p.Ala1046Thr). This variant is not present in population databases (gnomAD no frequency). This variant has not been reported in the literature in individuals affected with AMER1-related conditions. Algorithms developed to predict the effect of missense changes on protein structure and function output the following: SIFT: "Not Available"; PolyPhen-2: "Benign"; Align-GVGD: "Not Available". The threonine amino acid residue is found in multiple mammalian species, which suggests that this missense change does not adversely affect protein function. In summary, the available evidence is currently insufficient to determine the role of this variant in disease. Therefore, it has been classified as a Variant of Uncertain Significance.